The following is an entry in ClinVar:

NM_001458.5(FLNC):c.4651G>A (p.Ala1551Thr)

Gene: FLNC (filamin C; plus strand). Cytogenetic location: 7q32.1.
Variant type: single nucleotide variant.
Coding change: c.4651G>A on transcript NM_001458.5 (MANE Select); coding-DNA position 4651, G replaced by A.
Protein change: p.Ala1551Thr; replaces alanine 1551 with threonine.
Molecular consequence: missense variant.
Genome position (GRCh38, 1-based): chr7:128,848,631, G>A. VCF-style: chr7-128848631-G-A. GRCh37 (hg19) VCF-style: chr7-128488685-G-A.
Other names: p.Ala1551Thr; c.4651G>A, p.Ala1551Thr (NM_001127487.2); short protein forms A1551T.
Identifiers: ClinVar variation 539435 (VCV000539435.21), dbSNP rs565918031, ClinGen allele CA4475414.
Genomic context (GRCh38, chr7:128,848,631, plus strand): 5'-ATCAAGGTCCTCCCAGCTCATGATGCCAGCAAGGTGCGGGCCAGCGGCCCAGGCCTCAAC[G>A]CCTCTGGCATCCCTGCCAGCCTGCCTGTGGAGTTCACCATCGACGCACGGGACGCGGGCG-3'
Protein context (NP_001449.3, residues 1541-1561): KVRASGPGLN[Ala1551Thr]SGIPASLPVE

ClinVar aggregate classification (germline): Conflicting classifications of pathogenicity. Review status: criteria provided, conflicting classifications (1 of 4 stars). 7 submissions from 7 submitters: Uncertain significance (1); Likely benign (6). Last evaluated 2025-12-02.

Conditions:
Hypertrophic cardiomyopathy 26. Also called: Cardiomyopathy, familial hypertrophic, 26. Identifiers: Orphanet 75249, MedGen C4310749, MONDO:0014883, OMIM 617047.
Distal myopathy with posterior leg and anterior hand involvement. Also called: WILLIAMS DISTAL MYOPATHY. Identifiers: Orphanet 63273, MedGen C3279722, MONDO:0013550, OMIM 614065.
Myofibrillar myopathy 5. Also called: Filaminopathy (type); FILAMINOPATHY, AUTOSOMAL DOMINANT. Identifiers: Orphanet 171445, MedGen C1836050, MONDO:0012289, OMIM 609524.
FLNC-related disorder. Also called: FLNC-related disorders; FLNC-related condition.
Cardiovascular phenotype. Identifiers: MedGen CN230736.

Allele frequency attached by ClinVar (database versions not stated): gnomAD 0.00008 and 0.00009; ExAC 0.00010; gnomAD exomes 0.00012 and 0.00023; 1000 Genomes Project 30x 0.00016; 1000 Genomes Project 0.00020; TOPMed 0.00023.
gnomAD v4.1: 347 of 1,613,602 alleles (0.022%); highest among the groups gnomAD compares: Non-Finnish European, 0.028%; 1 homozygote.

Submissions (7):

Labcorp Genetics (formerly Invitae), Labcorp
Classification: Likely benign for Distal myopathy with posterior leg and anterior hand involvement; Myofibrillar myopathy 5; Hypertrophic cardiomyopathy 26. Last evaluated: 2025-12-02. Review status: criteria provided, single submitter. Criteria: Invitae Variant Classification Sherloc (09022015). Collection method: clinical testing. Allele origin: germline.

Mayo Clinic Laboratories, Mayo Clinic
Classification: Likely benign. Last evaluated: 2025-01-27. Review status: criteria provided, single submitter. Criteria: ACMG Guidelines, 2015. Collection method: clinical testing. Allele origin: germline. Observed: 2 variant alleles.
Comment: BS2_supporting, BP4, BP5

Revvity Omics, Revvity
Classification: Uncertain significance. Last evaluated: 2024-12-24. Review status: criteria provided, single submitter. Criteria: ACMG Guidelines, 2015. Collection method: clinical testing. Allele origin: germline.

PreventionGenetics, part of Exact Sciences
Classification: Likely benign for FLNC-related condition. Last evaluated: 2024-10-14. Review status: criteria provided, single submitter. Criteria: ACMG Guidelines, 2015. Collection method: clinical testing. Allele origin: germline.
Comment: This variant is classified as likely benign based on ACMG/AMP sequence variant interpretation guidelines (Richards et al. 2015 PMID: 25741868, with internal and published modifications).

Blueprint Genetics
Classification: Likely benign. Last evaluated: 2024-09-16. Review status: criteria provided, single submitter. Criteria: ACMG Guidelines, 2015. Collection method: clinical testing. Allele origin: germline.

Ambry Genetics
Classification: Likely benign for Cardiovascular phenotype. Last evaluated: 2024-06-26. Review status: criteria provided, single submitter. Criteria: Ambry Variant Classification Scheme 2023. Collection method: clinical testing. Allele origin: germline.

GeneDx
Classification: Likely benign. Last evaluated: 2021-02-24. Review status: criteria provided, single submitter. Criteria: GeneDx Variant Classification Process June 2021. Collection method: clinical testing. Allele origin: germline. Affected: yes.
Comment: Identified in association with frontotemporal dementia (Janssens et al., 2015) and hypertrophic cardiomyopathy (Jaafar et al., 2016) in published literature; Reported as a variant of uncertain significance by another clinical laboratory in ClinVar (ClinVar Variant ID# 539435; Landrum et al., 2016); In silico analysis, which includes protein predictors and evolutionary conservation, supports that this variant does not alter protein structure/function; This variant is associated with the following publications: (PMID: 26555887, 27574918, 32936277)

Literature cited by the submitters: PubMed 26555887 (cited by Mayo Clinic Laboratories, Mayo Clinic and Ambry Genetics); PubMed 27574918 (cited by Mayo Clinic Laboratories, Mayo Clinic and Ambry Genetics).